The following is an entry in ClinVar:

NM_001851.6(COL9A1):c.524T>A (p.Leu175Ter)

Gene: COL9A1 (collagen type IX alpha 1 chain; minus strand). Cytogenetic location: 6q13.
Variant type: single nucleotide variant.
Coding change: c.524T>A on transcript NM_001851.6 (MANE Select); coding-DNA position 524, T replaced by A.
Protein change: p.Leu175Ter; replaces leucine 175 with a stop codon.
Molecular consequence: nonsense.
Genome position (GRCh38, 1-based): chr6:70,294,339, A>T on the plus strand (T>A on the coding strand, the complement: COL9A1 is on the minus strand). VCF-style: chr6-70294339-A-T. GRCh37 (hg19) VCF-style: chr6-71004042-A-T.
Other names: c.524T>A, p.Leu175Ter (NM_001377291.1); short protein forms L175*.
Identifiers: ClinVar variation 4731834 (VCV004731834.1).
Genomic context (GRCh38, chr6:70,294,339, plus strand): 5'-AAAAGAGTAGCACTACTCCTCTCCACGCCAATCATGATCTTATGCCACTGGGAATCAAAC[A>T]AGGAGGACAAATTCGAAAAGGCTGCTGTTTGGAGACTTCCATCCAGTCCCTTGTATGAAA-3'

ClinVar aggregate classification (germline): Pathogenic (1 of 4 stars; one submission).

Submission:

Labcorp Genetics (formerly Invitae), Labcorp
Classification: Pathogenic. Last evaluated: 2025-12-06. Review status: criteria provided, single submitter. Criteria: Invitae Variant Classification Sherloc (09022015). Collection method: clinical testing. Allele origin: germline.
Comment: This sequence change creates a premature translational stop signal (p.Leu175*) in the COL9A1 gene. It is expected to result in an absent or disrupted protein product. Loss-of-function variants in COL9A1 are known to be pathogenic (PMID: 16909383, 21421862). This variant is not present in population databases (gnomAD no frequency). This variant has not been reported in the literature in individuals affected with COL9A1-related conditions. For these reasons, this variant has been classified as Pathogenic.

Literature cited by the submitters: PubMed 16909383; PubMed 21421862.